The following is an entry in ClinVar:

NM_002691.4(POLD1):c.894C>T (p.His298=)

Gene: POLD1 (DNA polymerase delta 1, catalytic subunit; plus strand). Cytogenetic location: 19q13.33.
Variant type: single nucleotide variant.
Coding change: c.894C>T on transcript NM_002691.4 (MANE Select); coding-DNA position 894, C replaced by T.
Protein change: p.His298=; no amino-acid change (histidine 298 retained).
Molecular consequence: synonymous variant. On other transcripts: non-coding transcript variant (1).
Genome position (GRCh38, 1-based): chr19:50,402,665, C>T. VCF-style: chr19-50402665-C-T. GRCh37 (hg19) VCF-style: chr19-50905922-C-T.
Other names: c.894C>T, p.His298= (NM_001256849.1, NM_001308632.1).
Identifiers: ClinVar variation 808630 (VCV000808630.48), dbSNP rs1442547881, ClinGen allele CA508181935.
Genomic context (GRCh38, chr19:50,402,665, plus strand): 5'-CCCACAGGCTACGCAGTGCCAGCTGGAGGCGGACGTGCTGTGGTCTGACGTGGTCAGTCA[C>T]CCACCGGAAGGGCCATGGCAGCGCATTGCGCCCTTGCGCGTGCTCAGCTTCGATATCGAG-3'
Protein context (NP_002682.2, residues 288-308): ADVLWSDVVS[His298=]PPEGPWQRIA

ClinVar aggregate classification (germline): Benign/Likely benign. Review status: criteria provided, multiple submitters, no conflicts (2 of 4 stars). 4 submissions from 4 submitters: Benign (1); Likely benign (3). Last evaluated 2025-11-11.

Conditions:
Hereditary cancer-predisposing syndrome. Also called: Neoplastic Syndromes, Hereditary; Hereditary neoplastic syndrome; Tumor predisposition; Hereditary Cancer Syndrome. Identifiers: Orphanet 140162, MedGen C0027672, MeSH D009386, MONDO:0015356.
POLD1-related polyposis and colorectal cancer syndrome (CRCS10). Also called: COLORECTAL CANCER, SUSCEPTIBILITY TO, ON CHROMOSOME 19q; Colorectal cancer 10; Colorectal cancer, susceptibility to, 10. Identifiers: Orphanet 220460, MedGen C2675481, MONDO:0012953, OMIM 612591.

Allele frequency attached by ClinVar (database versions not stated): gnomAD exomes below 0.00001; TOPMed below 0.00001; gnomAD 0.00001.
gnomAD v4.1: 5 of 1,595,690 alleles (0.00031%); highest among the groups gnomAD compares: Non-Finnish European, 0.00043%; no homozygotes.

Submissions (4):

Labcorp Genetics (formerly Invitae), Labcorp
Classification: Likely benign for POLD1-related polyposis and colorectal cancer syndrome. Last evaluated: 2025-11-11. Review status: criteria provided, single submitter. Criteria: Invitae Variant Classification Sherloc (09022015). Collection method: clinical testing. Allele origin: germline.

Myriad Genetics, Inc.
Classification: Benign for POLD1-related polyposis and colorectal cancer syndrome. Last evaluated: 2025-02-05. Review status: criteria provided, single submitter. Criteria: Myriad Autosomal Dominant, Autosomal Recessive and X-Linked Classification Criteria (2023). Collection method: clinical testing. Allele origin: unknown.
Comment: This variant is considered benign. This variant is a silent/synonymous amino acid change and it is not expected to impact splicing.

Ambry Genetics
Classification: Likely benign for Hereditary cancer-predisposing syndrome. Last evaluated: 2021-08-09. Review status: criteria provided, single submitter. Criteria: Ambry Variant Classification Scheme 2023. Collection method: clinical testing. Allele origin: germline.

CeGaT Center for Human Genetics Tuebingen
Classification: Likely benign. Last evaluated: 2019-03-01. Review status: criteria provided, single submitter. Criteria: CeGaT Center For Human Genetics Tuebingen Variant Classification Criteria Version 2. Collection method: clinical testing. Allele origin: germline. Affected: yes. Observed: 1 variant allele.